The following is an entry in ClinVar:

ClinVar aggregate classification (germline): Uncertain significance (1 of 4 stars; one submission).

Conditions:
Inborn genetic diseases. Identifiers: MedGen C0950123, MeSH D030342.

Allele frequency attached by ClinVar (database versions not stated): gnomAD exomes below 0.00001; TOPMed below 0.00001; gnomAD 0.00001.

Submission:

Ambry Genetics
Classification: Uncertain significance for Inborn genetic diseases. Last evaluated: 2022-02-21. Review status: criteria provided, single submitter. Criteria: Ambry Variant Classification Scheme 2023. Collection method: clinical testing. Allele origin: germline.
Comment: The p.D1186E variant (also known as c.3558T>G), located in coding exon 18 of the ATR gene, results from a T to G substitution at nucleotide position 3558. The aspartic acid at codon 1186 is replaced by glutamic acid, an amino acid with highly similar properties. This amino acid position is conserved. In addition, this alteration is predicted to be tolerated by in silico analysis. Since supporting evidence is limited at this time, the clinical significance of this alteration remains unclear.

NM_001184.4(ATR):c.3558T>G (p.Asp1186Glu)

Gene: ATR (ATR checkpoint kinase; minus strand). Cytogenetic location: 3q23.
Variant type: single nucleotide variant.
Coding change: c.3558T>G on transcript NM_001184.4 (MANE Select); coding-DNA position 3558, T replaced by G.
Protein change: p.Asp1186Glu; replaces aspartic acid 1186 with glutamic acid.
Molecular consequence: missense variant.
Genome position (GRCh38, 1-based): chr3:142,540,927, A>C on the plus strand (T>G on the coding strand, the complement: ATR is on the minus strand). VCF-style: chr3-142540927-A-C. GRCh37 (hg19) VCF-style: chr3-142259769-A-C.
Other names: c.3366T>G, p.Asp1122Glu (NM_001354579.2); short protein forms D1122E, D1186E.
Identifiers: ClinVar variation 1732658 (VCV001732658.2), dbSNP rs751388801, ClinGen allele CA354807741.